The following is an entry in ClinVar:

NM_000448.3(RAG1):c.2991C>T (p.Tyr997=)

Gene: RAG1 (recombination activating 1; plus strand). Cytogenetic location: 11p12.
Variant type: single nucleotide variant.
Coding change: c.2991C>T on transcript NM_000448.3 (MANE Select); coding-DNA position 2991, C replaced by T.
Protein change: p.Tyr997=; no amino-acid change (tyrosine 997 retained).
Molecular consequence: synonymous variant.
Genome position (GRCh38, 1-based): chr11:36,576,295, C>T. VCF-style: chr11-36576295-C-T. GRCh37 (hg19) VCF-style: chr11-36597845-C-T.
Other names: c.2991C>T (NM_000448.2); c.2991C>T, p.Tyr997= (NM_001377277.1, NM_001377278.1, NM_001377279.1 and 1 more transcripts).
Identifiers: ClinVar variation 1546197 (VCV001546197.9), dbSNP rs368169159, ClinGen allele CA5950350.

ClinVar aggregate classification (germline): Likely benign. Review status: criteria provided, single submitter (1 of 4 stars). 2 submissions from 2 submitters: Likely benign (1). 1 of the submissions does not count toward it. Last evaluated 2024-10-17.

Conditions:
Combined immunodeficiency with skin granulomas. Identifiers: Orphanet 157949, MedGen C2673536, MONDO:0009306, OMIM 233650.
Severe combined immunodeficiency, autosomal recessive, T cell-negative, B cell-negative, NK cell-positive. Also called: SCID, T CELL-NEGATIVE, B CELL-NEGATIVE, NK CELL-POSITIVE; SCID, AR, T-cell negative, B-cell negative, NK cell-positive; Severe combined immunodeficiency due to complete RAG1/2 deficiency. Identifiers: Orphanet 331206, MedGen C1832322, MONDO:0011086, OMIM 601457.
RAG1-related disorder. Also called: RAG1-related condition; RAG1-related disorders.

Allele frequency attached by ClinVar (database versions not stated): gnomAD 0.00001; gnomAD exomes 0.00001 and 0.00002; ExAC 0.00003; TOPMed 0.00003; ESP Exome Variant Server 0.00015; 1000 Genomes Project 30x 0.00016; 1000 Genomes Project 0.00020.
gnomAD v4.1: 11 of 1,614,030 alleles (0.00068%); highest among the groups gnomAD compares: African/African-American, 0.008%; no homozygotes.

Submissions (2):

Labcorp Genetics (formerly Invitae), Labcorp
Classification: Likely benign for Combined immunodeficiency with skin granulomas; Severe combined immunodeficiency, autosomal recessive, T cell-negative, B cell-negative, NK cell-positive. Last evaluated: 2024-10-17. Review status: criteria provided, single submitter. Criteria: Invitae Variant Classification Sherloc (09022015). Collection method: clinical testing. Allele origin: germline.

PreventionGenetics, part of Exact Sciences
Classification: Likely benign for RAG1-related condition. Last evaluated: 2019-08-13. Review status: no assertion criteria provided. Collection method: clinical testing. Allele origin: germline. Not counted in ClinVar's aggregate classification.
Comment: This variant is classified as likely benign based on ACMG/AMP sequence variant interpretation guidelines (Richards et al. 2015 PMID: 25741868, with internal and published modifications).